The following is an entry in ClinVar:

NM_000548.5(TSC2):c.3398-14G>A

Gene: TSC2 (TSC complex subunit 2; plus strand). Cytogenetic location: 16p13.3.
Variant type: single nucleotide variant.
Coding change: c.3398-14G>A on transcript NM_000548.5 (MANE Select); 14 bases into the intron before coding-DNA position 3398, G replaced by A.
Molecular consequence: intron variant.
Genome position (GRCh38, 1-based): chr16:2,080,151, G>A. VCF-style: chr16-2080151-G-A. GRCh37 (hg19) VCF-style: chr16-2130152-G-A.
Other names: c.3398-14G>A (NM_001114382.3); c.3269-14G>A (NM_021055.3, NM_001370405.1, NM_001363528.2); c.3266-14G>A (NM_001370404.1, NM_001077183.3); c.3158-14G>A (NM_001318827.2); c.2666-14G>A (NM_001318831.2); c.3122-14G>A (NM_001318829.2); c.3299-14G>A (NM_001318832.2).
Identifiers: ClinVar variation 1994988 (VCV001994988.5), dbSNP rs773246388, ClinGen allele CA046593.
Genomic context (GRCh38, chr16:2,080,151, plus strand): 5'-GGAGCATTCAGCTTGAGGCTGGTGGTTTTGCATCAGGTAAGTGGTGGTCACCAGTCCTCT[G>A]CCCTCTTCTTCAGGGGGCCATGGTCTTCGAGTTGGCGCCCTGGACGTGCCGGCCTCCCAG-3'

ClinVar aggregate classification (germline): Likely benign. Review status: criteria provided, multiple submitters, no conflicts (2 of 4 stars). 2 submissions from 2 submitters: Likely benign (2). Last evaluated 2025-08-04.

Conditions:
Tuberous sclerosis 2 (TSC2). Identifiers: Orphanet 805, MedGen C1860707, MONDO:0013199, OMIM 613254.

Allele frequency attached by ClinVar (database versions not stated): TOPMed below 0.00001; ExAC 0.00001; gnomAD exomes 0.00001.
gnomAD v4.1: 4 of 1,612,856 alleles (0.00025%); highest among the groups gnomAD compares: Non-Finnish European, 0.00034%; no homozygotes.

Submissions (2):

Labcorp Genetics (formerly Invitae), Labcorp
Classification: Likely benign for Tuberous sclerosis 2. Last evaluated: 2025-08-04. Review status: criteria provided, single submitter. Criteria: Invitae Variant Classification Sherloc (09022015). Collection method: clinical testing. Allele origin: germline.

Myriad Genetics, Inc.
Classification: Likely benign for Tuberous sclerosis 2. Last evaluated: 2025-05-29. Review status: criteria provided, single submitter. Criteria: Myriad Autosomal Dominant, Autosomal Recessive and X-Linked Classification Criteria (2023). Collection method: clinical testing. Allele origin: unknown.
Comment: This variant is considered likely benign. This variant is intronic and is not expected to impact mRNA splicing.